The following is an entry in ClinVar:

ClinVar aggregate classification (germline): Conflicting classifications of pathogenicity. Review status: criteria provided, conflicting classifications (1 of 4 stars). 4 submissions from 4 submitters: Pathogenic (1); Uncertain significance (3). Last evaluated 2025-04-09.

Conditions:
Cardiovascular phenotype. Identifiers: MedGen CN230736.
Hypertrophic cardiomyopathy 12. Identifiers: MedGen C2677491, MONDO:0012804, OMIM 612124.
Dilated cardiomyopathy 1M (CMD1M). Identifiers: Orphanet 154, MedGen C1843808, MONDO:0011840, OMIM 607482.
Cardiomyopathy (CMYO). Also called: Cardiomyopathies. Identifiers: Orphanet 167848, MedGen C0878544, MONDO:0004994, HP:0001638. Inheritance: Various modes of inheritance.

Submissions (4):

Molecular Diagnostic Laboratory for Inherited Cardiovascular Disease, Montreal Heart Institute
Classification: Uncertain significance for Cardiovascular phenotype. Last evaluated: 2025-04-09. Review status: criteria provided, single submitter. Criteria: ACMG Guidelines, 2015. Collection method: clinical testing. Allele origin: germline. Affected: yes.

CHEO Genetics Diagnostic Laboratory, Children's Hospital of Eastern Ontario
Classification: Uncertain significance for Cardiomyopathy. Last evaluated: 2024-06-14. Review status: criteria provided, single submitter. Criteria: ACMG Guidelines, 2015. Collection method: clinical testing. Allele origin: germline. Study: Canadian Open Genetics Repository.

Labcorp Genetics (formerly Invitae), Labcorp
Classification: Pathogenic for Hypertrophic cardiomyopathy 12; Dilated cardiomyopathy 1M. Last evaluated: 2024-04-17. Review status: criteria provided, single submitter. Criteria: Invitae Variant Classification Sherloc (09022015). Collection method: clinical testing. Allele origin: germline.
Comment: This sequence change results in a frameshift in the CSRP3 gene (p.Pro121Leufs*87). While this is not anticipated to result in nonsense mediated decay, it is expected to disrupt the last 74 amino acid(s) of the CSRP3 protein and extend the protein by 12 additional amino acid residues. This variant is not present in population databases (gnomAD no frequency). This variant has not been reported in the literature in individuals affected with CSRP3-related conditions. ClinVar contains an entry for this variant (Variation ID: 626505). This variant disrupts a region of the CSRP3 protein in which other variant(s) (p.Cys150Tyr) have been determined to be pathogenic (PMID: 23396983, 25351510, 33035702; Invitae). This suggests that this is a clinically significant region of the protein, and that variants that disrupt it are likely to be disease-causing. For these reasons, this variant has been classified as Pathogenic.

GeneDx
Classification: Uncertain significance. Last evaluated: 2023-01-06. Review status: criteria provided, single submitter. Criteria: GeneDx Variant Classification Process June 2021. Collection method: clinical testing. Allele origin: germline. Affected: yes.
Comment: Has not been previously published as pathogenic or benign to our knowledge; Not observed at significant frequency in large population cohorts (gnomAD); Frameshift variant predicted to result in protein truncation or nonsense mediated decay in a gene or region of a gene for which loss of function is not a well-established mechanism of disease

Literature cited by the submitters: PubMed 23396983 (cited by Labcorp Genetics (formerly Invitae), Labcorp); PubMed 25351510 (cited by Labcorp Genetics (formerly Invitae), Labcorp); PubMed 33035702 (cited by Labcorp Genetics (formerly Invitae), Labcorp).

NM_003476.5(CSRP3):c.362del (p.Pro121fs)

Gene: CSRP3 (cysteine and glycine rich protein 3; minus strand). Cytogenetic location: 11p15.1.
Variant type: Deletion.
Coding change: c.362del on transcript NM_003476.5 (MANE Select); coding-DNA position 362, one base deleted (C; older notation c.362delC).
Protein change: p.Pro121fs; shifts the reading frame from proline 121.
Molecular consequence: frameshift variant.
Genome position (GRCh38, 1-based): chr11:19,186,268, G deleted on the plus strand (C on the coding strand, the reverse complement: CSRP3 is on the minus strand); the first of 3 consecutive G bases (chr11:19,186,268-19,186,270); deleting any one gives the same sequence. VCF-style (leftmost placement, unchanged base first): chr11-19186267-AG-A. GRCh37 (hg19) VCF-style: chr11-19207814-AG-A.
Other names: c.193del, p.Leu65fs (NM_001369404.1); short protein forms L65fs, P121fs.
Identifiers: ClinVar variation 626505 (VCV000626505.10), dbSNP rs1565050709, ClinGen allele CA913190030.